The following is an entry in ClinVar:

ClinVar aggregate classification (germline): Conflicting classifications of pathogenicity. Review status: criteria provided, conflicting classifications (1 of 4 stars). 2 submissions from 2 submitters: Uncertain significance (1); Likely benign (1). Last evaluated 2024-09-17.

Conditions:
MEGF8-related Carpenter syndrome. Also called: Carpenter syndrome 2. Identifiers: Orphanet 65759, MedGen C3554247, MONDO:0013998, OMIM 614976.

Allele frequency attached by ClinVar (database versions not stated): gnomAD exomes 0.00002 and 0.00003; ExAC 0.00003; gnomAD 0.00005 and 0.00006; TOPMed 0.00006; ESP Exome Variant Server 0.00008.

Submissions (2):

Blueprint Genetics
Classification: Likely benign. Last evaluated: 2024-09-17. Review status: criteria provided, single submitter. Criteria: ACMG Guidelines, 2015. Collection method: clinical testing. Allele origin: germline.

Labcorp Genetics (formerly Invitae), Labcorp
Classification: Uncertain significance for MEGF8-related Carpenter syndrome. Last evaluated: 2018-03-28. Review status: criteria provided, single submitter. Criteria: Invitae Variant Classification Sherloc (09022015). Collection method: clinical testing. Allele origin: germline.
Comment: In summary, the available evidence is currently insufficient to determine the role of this variant in disease. Therefore, it has been classified as a Variant of Uncertain Significance. Nucleotide substitutions within the consensus splice site are a relatively common cause of aberrant splicing (PMID: 17576681, 9536098). Algorithms developed to predict the effect of sequence changes on RNA splicing suggest that this variant is not likely to affect RNA splicing, but this prediction has not been confirmed by published transcriptional studies. This variant has not been reported in the literature in individuals with MEGF8-related disease. This variant is present in population databases (rs377586547, ExAC 0.005%). This sequence change falls in intron 7 of the MEGF8 gene. It does not directly change the encoded amino acid sequence of the MEGF8 protein, but it affects a nucleotide within the consensus splice site of the intron.

Literature cited by the submitters: PubMed 17576681 (cited by Labcorp Genetics (formerly Invitae), Labcorp); PubMed 9536098 (cited by Labcorp Genetics (formerly Invitae), Labcorp).

NM_001271938.2(MEGF8):c.1391-3C>T

Gene: MEGF8 (multiple EGF like domains 8; plus strand). Cytogenetic location: 19q13.2.
Variant type: single nucleotide variant.
Coding change: c.1391-3C>T on transcript NM_001271938.2 (MANE Select); 3 bases into the intron before coding-DNA position 1391, C replaced by T.
Molecular consequence: intron variant.
Genome position (GRCh38, 1-based): chr19:42,337,081, C>T. VCF-style: chr19-42337081-C-T. GRCh37 (hg19) VCF-style: chr19-42841233-C-T.
Other names: c.1391-3C>T (NM_001410.3).
Identifiers: ClinVar variation 571488 (VCV000571488.9), dbSNP rs377586547, ClinGen allele CA9474444.